The following is an entry in ClinVar:

NM_020921.4(NIN):c.827G>A (p.Ser276Asn)

Gene: NIN (ninein; minus strand). Cytogenetic location: 14q22.1.
Variant type: single nucleotide variant.
Coding change: c.827G>A on transcript NM_020921.4 (MANE Select); coding-DNA position 827, G replaced by A.
Protein change: p.Ser276Asn; replaces serine 276 with asparagine.
Molecular consequence: missense variant.
Genome position (GRCh38, 1-based): chr14:50,772,455, C>T on the plus strand (G>A on the coding strand, the complement: NIN is on the minus strand). VCF-style: chr14-50772455-C-T. GRCh37 (hg19) VCF-style: chr14-51239173-C-T.
Other names: c.827G>A, p.Ser276Asn (NM_016350.5, NM_182944.3, NM_182946.2); short protein forms S276N.
Identifiers: ClinVar variation 2697158 (VCV002697158.3), dbSNP rs1014600864, ClinGen allele CA260821040.

ClinVar aggregate classification (germline): Uncertain significance (1 of 4 stars; one submission).

Allele frequency attached by ClinVar (database versions not stated): gnomAD exomes below 0.00001; TOPMed below 0.00001; gnomAD 0.00001.
gnomAD v4.1: 2 of 1,614,064 alleles (0.00012%); highest among the groups gnomAD compares: Non-Finnish European, 0.00017%; no homozygotes.

Submission:

Labcorp Genetics (formerly Invitae), Labcorp
Classification: Uncertain significance. Last evaluated: 2023-12-27. Review status: criteria provided, single submitter. Criteria: Invitae Variant Classification Sherloc (09022015). Collection method: clinical testing. Allele origin: germline.
Comment: This sequence change replaces serine, which is neutral and polar, with asparagine, which is neutral and polar, at codon 276 of the NIN protein (p.Ser276Asn). This variant is not present in population databases (gnomAD no frequency). This variant has not been reported in the literature in individuals affected with NIN-related conditions. An algorithm developed to predict the effect of missense changes on protein structure and function (PolyPhen-2) suggests that this variant is likely to be tolerated. In summary, the available evidence is currently insufficient to determine the role of this variant in disease. Therefore, it has been classified as a Variant of Uncertain Significance.